The following is an entry in ClinVar:

NM_139125.4(MASP1):c.1091-10_1091-8del

Gene: MASP1 (MBL associated serine protease 1; minus strand). Cytogenetic location: 3q27.3.
Variant type: Microsatellite.
Coding change: c.1091-10_1091-8del on transcript NM_139125.4 (MANE Select); 10 bases into the intron before coding-DNA position 1091 through 8 bases into the intron before coding-DNA position 1091, 3 bases deleted (TCT; older notation c.1091-10_1091-8delTCT).
Molecular consequence: intron variant.
Genome position (GRCh38, 1-based): chr3:187,243,629-187,243,631, AGA deleted on the plus strand (TCT on the coding strand, the reverse complement: MASP1 is on the minus strand); deleting any 3 consecutive bases within chr3:187,243,629-187,243,636 gives the same sequence; the c. name uses the placement nearest the transcript's 3' end. VCF-style (leftmost placement, unchanged base first): chr3-187243628-GAGA-G. GRCh37 (hg19) VCF-style: chr3-186961416-GAGA-G.
Other names: c.1091-10_1091-8del (NM_001879.6); c.1091-10_1091-8delTCT (NM_139125.3).
Identifiers: ClinVar variation 2075465 (VCV002075465.5), dbSNP rs752263369, ClinGen allele CA2749356.
Genomic context (GRCh38, chr3:187,243,628, plus strand): 5'-TAGAGAAGGTGATCAGCCCGTGTTCCAGCTCTCCTGGGGCTCTACAGTCTACAACTGAGA[GAGA>G]AGAAGTGAGACCCCTCAACTGCCTTTTGCTCATCCTCCTTTGGCTATCTGATGGATCTAT-3'

ClinVar aggregate classification (germline): Likely benign. Review status: criteria provided, multiple submitters, no conflicts (2 of 4 stars). 2 submissions from 2 submitters: Likely benign (2). Last evaluated 2024-11-09.

Conditions:
MASP1-related disorder. Also called: MASP1-related condition.
3MC syndrome 1. Also called: CRANIOSYNOSTOSIS WITH LID ANOMALIES; MICHELS SYNDROME; OCULOPALATOSKELETAL SYNDROME. Identifiers: Orphanet 293843, MedGen C0796059, MONDO:0009770, OMIM 257920.

Submissions (2):

PreventionGenetics, part of Exact Sciences
Classification: Likely benign for MASP1-related condition. Last evaluated: 2024-11-09. Review status: criteria provided, single submitter. Criteria: ACMG Guidelines, 2015. Collection method: clinical testing. Allele origin: germline.
Comment: This variant is classified as likely benign based on ACMG/AMP sequence variant interpretation guidelines (Richards et al. 2015 PMID: 25741868, with internal and published modifications).

Labcorp Genetics (formerly Invitae), Labcorp
Classification: Likely benign for 3MC syndrome 1. Last evaluated: 2024-02-17. Review status: criteria provided, single submitter. Criteria: Invitae Variant Classification Sherloc (09022015). Collection method: clinical testing. Allele origin: germline.